The following is an entry in ClinVar:

ClinVar aggregate classification (germline): Pathogenic/Likely pathogenic. Review status: criteria provided, multiple submitters, no conflicts (2 of 4 stars). 3 submissions from 3 submitters: Pathogenic (2); Likely pathogenic (1). Last evaluated 2025-10-10.

Conditions:
Wilson disease (WND). Also called: Wilson's disease. Identifiers: Orphanet 905, MedGen C0019202, MONDO:0010200, OMIM 277900. Disease mechanism: loss of function.

Allele frequency attached by ClinVar (database versions not stated): TOPMed below 0.00001.

Submissions (3):

Myriad Genetics, Inc.
Classification: Pathogenic for Wilson disease. Last evaluated: 2025-10-10. Review status: criteria provided, single submitter. Criteria: Myriad Autosomal Dominant, Autosomal Recessive and X-Linked Classification Criteria (2023). Collection method: clinical testing. Allele origin: unknown.
Comment: NM_000053.3(ATP7B):c.1543+1G>A is a variant in a canonical splice site classified as pathogenic in the context of Wilson disease. c.1543+1G>A has been observed in cases with relevant disease (PMID: 33640437, 30120852). Relevant functional assessments of this variant are not available in the literature. c.1543+1G>A has not been observed in referenced population frequency databases. In summary, NM_000053.3(ATP7B):c.1543+1G>A is a variant in a canonical splice site that has been observed more frequently in cases with the relevant disease than in healthy populations. Please note: this variant was assessed in the context of healthy population screening.

Baylor Genetics
Classification: Likely pathogenic for Wilson disease. Last evaluated: 2023-06-13. Review status: criteria provided, single submitter. Criteria: ACMG Guidelines, 2015. Collection method: clinical testing. Allele origin: unknown.

Labcorp Genetics (formerly Invitae), Labcorp
Classification: Pathogenic for Wilson disease. Last evaluated: 2023-05-20. Review status: criteria provided, single submitter. Criteria: Invitae Variant Classification Sherloc (09022015). Collection method: clinical testing. Allele origin: germline.
Comment: This sequence change affects a donor splice site in intron 3 of the ATP7B gene. It is expected to disrupt RNA splicing. Variants that disrupt the donor or acceptor splice site typically lead to a loss of protein function (PMID: 16199547), and loss-of-function variants in ATP7B are known to be pathogenic (PMID: 10441329, 16283883). This variant is not present in population databases (gnomAD no frequency). For these reasons, this variant has been classified as Pathogenic. Algorithms developed to predict the effect of sequence changes on RNA splicing suggest that this variant may disrupt the consensus splice site. Disruption of this splice site has been observed in individual(s) with Wilson disease (PMID: 21796144, 30120852).

Literature cited by the submitters: PubMed 30120852 (cited by Myriad Genetics, Inc. and Labcorp Genetics (formerly Invitae), Labcorp); PubMed 33640437 (cited by Myriad Genetics, Inc.); PubMed 16199547 (cited by Labcorp Genetics (formerly Invitae), Labcorp); PubMed 10441329 (cited by Labcorp Genetics (formerly Invitae), Labcorp); PubMed 16283883 (cited by Labcorp Genetics (formerly Invitae), Labcorp); PubMed 21796144 (cited by Labcorp Genetics (formerly Invitae), Labcorp).

NM_000053.4(ATP7B):c.1543+1G>A

Gene: ATP7B (ATPase copper transporting beta; minus strand). Cytogenetic location: 13q14.3.
Variant type: single nucleotide variant.
Coding change: c.1543+1G>A on transcript NM_000053.4 (MANE Select); the canonical splice donor site of the intron after coding-DNA position 1543, G replaced by A.
Molecular consequence: splice donor variant. On other transcripts: intron variant (1).
Genome position (GRCh38, 1-based): chr13:51,970,491, C>T on the plus strand (G>A on the coding strand, the complement: ATP7B is on the minus strand). VCF-style: chr13-51970491-C-T. GRCh37 (hg19) VCF-style: chr13-52544627-C-T.
Other names: c.1543+1G>A (NM_001406541.1, NM_001406531.1, NM_001406527.1 and 28 more transcripts); c.1447+1G>A (NM_001406543.1, NM_001406518.1, NM_001406544.1 and 3 more transcripts); c.1210+1G>A (NM_001243182.2); c.1285+3444G>A (NM_001406548.1); c.1114+1G>A (NM_001406539.1).
Identifiers: ClinVar variation 2679801 (VCV002679801.5), dbSNP rs1360279134, ClinGen allele CA388035014.
Genomic context (GRCh38, chr13:51,970,491, plus strand): 5'-AGGGAGAATACGAGGTCTATACGCAGCATTCCTAAGTTCAACATGGGCGTTCATCTCTTA[C>T]CAGCTTCTTTCTGCAGATTCCTTTCTATGTTAGACACACAGGATGCACAGGTCATGCCTT-3'